The following is an entry in ClinVar:

NM_020964.3(EPG5):c.338T>G (p.Val113Gly)

Gene: EPG5 (ectopic P-granules 5 autophagy tethering factor; minus strand). Cytogenetic location: 18q21.1.
Variant type: single nucleotide variant.
Coding change: c.338T>G on transcript NM_020964.3 (MANE Select); coding-DNA position 338, T replaced by G.
Protein change: p.Val113Gly; replaces valine 113 with glycine.
Molecular consequence: missense variant.
Genome position (GRCh38, 1-based): chr18:45,955,064, A>C on the plus strand (T>G on the coding strand, the complement: EPG5 is on the minus strand). VCF-style: chr18-45955064-A-C. GRCh37 (hg19) VCF-style: chr18-43535030-A-C.
Other names: short protein forms V113G.
Identifiers: ClinVar variation 1507690 (VCV001507690.4), dbSNP rs772420839, ClinGen allele CA8949969.

ClinVar aggregate classification (germline): Uncertain significance (1 of 4 stars; one submission).

Conditions:
Vici syndrome (VICIS). Identifiers: Orphanet 1493, MedGen C1855772, MONDO:0009452, OMIM 242840.

Allele frequency attached by ClinVar (database versions not stated): gnomAD exomes below 0.00001; ExAC 0.00001; gnomAD 0.00003; TOPMed 0.00005.
gnomAD v4.1: 5 of 1,614,024 alleles (0.00031%); highest among the groups gnomAD compares: African/African-American, 0.0067%; no homozygotes.

Submission:

Labcorp Genetics (formerly Invitae), Labcorp
Classification: Uncertain significance for Vici syndrome. Last evaluated: 2022-02-04. Review status: criteria provided, single submitter. Criteria: Invitae Variant Classification Sherloc (09022015). Collection method: clinical testing. Allele origin: germline.
Comment: This sequence change replaces valine, which is neutral and non-polar, with glycine, which is neutral and non-polar, at codon 113 of the EPG5 protein (p.Val113Gly). This variant is present in population databases (rs772420839, gnomAD 0.007%). This variant has not been reported in the literature in individuals affected with EPG5-related conditions. Algorithms developed to predict the effect of missense changes on protein structure and function (SIFT, PolyPhen-2, Align-GVGD) all suggest that this variant is likely to be tolerated. In summary, the available evidence is currently insufficient to determine the role of this variant in disease. Therefore, it has been classified as a Variant of Uncertain Significance.